The following is an entry in ClinVar:

NM_004958.4(MTOR):c.6796C>T (p.Arg2266Cys)

Gene: MTOR (mechanistic target of rapamycin kinase; minus strand). Cytogenetic location: 1p36.22.
Variant type: single nucleotide variant.
Coding change: c.6796C>T on transcript NM_004958.4 (MANE Select); coding-DNA position 6796, C replaced by T.
Protein change: p.Arg2266Cys; replaces arginine 2266 with cysteine.
Molecular consequence: missense variant.
Genome position (GRCh38, 1-based): chr1:11,121,993, G>A on the plus strand (C>T on the coding strand, the complement: MTOR is on the minus strand). VCF-style: chr1-11121993-G-A. GRCh37 (hg19) VCF-style: chr1-11182050-G-A.
Other names: c.6796C>T, p.Arg2266Cys (NM_001386500.1); c.5548C>T, p.Arg1850Cys (NM_001386501.1); short protein forms R1850C, R2266C.
Identifiers: ClinVar variation 3704772 (VCV003704772.2), dbSNP rs1642554182.

ClinVar aggregate classification (germline): Uncertain significance (1 of 4 stars; one submission).

Submission:

Labcorp Genetics (formerly Invitae), Labcorp
Classification: Uncertain significance. Last evaluated: 2024-09-09. Review status: criteria provided, single submitter. Criteria: Invitae Variant Classification Sherloc (09022015). Collection method: clinical testing. Allele origin: germline.
Comment: This sequence change replaces arginine, which is basic and polar, with cysteine, which is neutral and slightly polar, at codon 2266 of the MTOR protein (p.Arg2266Cys). This variant is not present in population databases (gnomAD no frequency). This variant has not been reported in the literature in individuals affected with MTOR-related conditions. Invitae Evidence Modeling of protein sequence and biophysical properties (such as structural, functional, and spatial information, amino acid conservation, physicochemical variation, residue mobility, and thermodynamic stability) indicates that this missense variant is not expected to disrupt MTOR protein function with a negative predictive value of 95%. In summary, the available evidence is currently insufficient to determine the role of this variant in disease. Therefore, it has been classified as a Variant of Uncertain Significance.